The following is an entry in ClinVar:

ClinVar aggregate classification (germline): Uncertain significance (1 of 4 stars; one submission).

Conditions:
Leigh syndrome (NULS). Also called: Leigh's necrotizing encephalopathy; Leigh's disease; Leigh Syndrome (mtDNA deletion); Leigh Disease; Subacute necrotizing encephalopathy; Necrotizing encephalopathy infantile subacute of Leigh. Identifiers: Orphanet 506, MedGen C2931891, MONDO:0009723, OMIM 256000.

Submission:

Wong Mito Lab, Molecular and Human Genetics, Baylor College of Medicine
Classification: Uncertain significance for Leigh syndrome. Last evaluated: 2019-10-17. Review status: criteria provided, single submitter. Criteria: Modified ACMG Guidelines (Unpublished). Collection method: clinical testing. Allele origin: germline.
Comment: The NC_012920.1:m.6709G>A (YP_003024028.1:p.Gly269Glu) variant in MTCO1 gene is interpretated to be a Uncertain Significance variant based on the modified ACMG guidelines (unpublished). This variant meets the following evidence codes: PP3, PP7

NC_012920.1(MT-CO1):m.6709G>A

Gene: MT-CO1 (mitochondrially encoded cytochrome c oxidase I; plus strand).
Variant type: single nucleotide variant.
Genome position: chrM-6709-G-A.
Identifiers: ClinVar variation 692666 (VCV000692666.1), dbSNP rs1603220583, ClinGen allele CA414785787.
Genomic context (GRCh38, chrMT:6,709, plus strand): 5'-CAGGCTTCGGAATAATCTCCCATATTGTAACTTACTACTCCGGAAAAAAAGAACCATTTG[G>A]ATACATAGGTATGGTCTGAGCTATGATATCAATTGGCTTCCTAGGGTTTATCGTGTGAGC-3'